The following is an entry in ClinVar:

NM_001365999.1(SZT2):c.8300C>T (p.Ala2767Val)

Gene: SZT2 (SZT2 subunit of KICSTOR complex; plus strand). Cytogenetic location: 1p34.2.
Variant type: single nucleotide variant.
Coding change: c.8300C>T on transcript NM_001365999.1 (MANE Select); coding-DNA position 8300, C replaced by T.
Protein change: p.Ala2767Val; replaces alanine 2767 with valine.
Molecular consequence: missense variant.
Genome position (GRCh38, 1-based): chr1:43,442,967, C>T. VCF-style: chr1-43442967-C-T. GRCh37 (hg19) VCF-style: chr1-43908638-C-T.
Other names: c.8129C>T, p.Ala2710Val (NM_015284.4); short protein forms A2767V, A2710V.
Identifiers: ClinVar variation 1420876 (VCV001420876.8), dbSNP rs2153936021, ClinGen allele CA340038467.

ClinVar aggregate classification (germline): Uncertain significance (1 of 4 stars; one submission).

Submission:

Labcorp Genetics (formerly Invitae), Labcorp
Classification: Uncertain significance. Last evaluated: 2021-08-06. Review status: criteria provided, single submitter. Criteria: Invitae Variant Classification Sherloc (09022015). Collection method: clinical testing. Allele origin: germline.
Comment: This sequence change replaces alanine with valine at codon 2710 of the SZT2 protein (p.Ala2710Val). The alanine residue is highly conserved and there is a small physicochemical difference between alanine and valine. This variant is not present in population databases (ExAC no frequency). This variant has not been reported in the literature in individuals with SZT2-related conditions. Algorithms developed to predict the effect of missense changes on protein structure and function (SIFT, PolyPhen-2, Align-GVGD) all suggest that this variant is likely to be tolerated, but these predictions have not been confirmed by published functional studies and their clinical significance is uncertain. In summary, the available evidence is currently insufficient to determine the role of this variant in disease. Therefore, it has been classified as a Variant of Uncertain Significance.